The following is an entry in ClinVar:

NM_003001.5(SDHC):c.21-22_30dup

Gene: SDHC (succinate dehydrogenase complex subunit C; plus strand). Cytogenetic location: 1q23.3.
Variant type: Duplication.
Coding change: c.21-22_30dup on transcript NM_003001.5 (MANE Select); 22 bases into the intron before coding-DNA position 21 through coding-DNA position 30, 32 bases duplicated.
Molecular consequence: splice acceptor variant. On other transcripts: intron variant (4).
Genome position (GRCh38, 1-based): chr1:161,323,592-161,323,623, 32 bases duplicated; duplicating any 32 consecutive bases within chr1:161,323,591-161,323,623 gives the same sequence; the c. name uses the placement nearest the transcript's 3' end. GRCh37 (hg19): chr1:161,293,382-161,293,413.
Other names: c.-91-22_-82dup (NM_001407119.1); c.-209-22_-200dup (NM_001407120.1); c.21-22_30dup (NM_001407115.1, NM_001035511.3, NM_001035512.3 and 2 more transcripts); c.21-4804_21-4773dup (NM_001407116.1, NM_001407121.1, NM_001407117.1); c.20+9167_20+9198dup (NM_001035513.3).
Identifiers: ClinVar variation 1786262 (VCV001786262.4), dbSNP rs2526332135, ClinGen allele CA2580061306.

ClinVar aggregate classification (germline): Uncertain significance. Review status: criteria provided, multiple submitters, no conflicts (2 of 4 stars). 2 submissions from 2 submitters: Uncertain significance (2). Last evaluated 2024-05-29.

Conditions:
Hereditary cancer-predisposing syndrome. Also called: Neoplastic Syndromes, Hereditary; Tumor predisposition; Hereditary Cancer Syndrome; Hereditary neoplastic syndrome. Identifiers: Orphanet 140162, MedGen C0027672, MeSH D009386, MONDO:0015356.
Pheochromocytoma/paraganglioma syndrome 3. Also called: GLOMUS TUMORS, FAMILIAL, 3; Paragangliomas 3; SDHC-Related Hereditary Paraganglioma-Pheochromocytoma Syndrome (Paragangliomas 3); SDHC-Related Hereditary Paraganglioma-Pheochromocytoma Syndrome. Identifiers: Orphanet 29072, MedGen C1854336, MONDO:0011544, OMIM 605373.
Gastrointestinal stromal tumor. Also called: Gastrointestinal stromal tumor, somatic; Gastrointestinal stroma tumor. Identifiers: Orphanet 44890, MedGen C0238198, MeSH D046152, MONDO:0011719, OMIM 606764, HP:0100723.

Submissions (2):

Labcorp Genetics (formerly Invitae), Labcorp
Classification: Uncertain significance for Pheochromocytoma/paraganglioma syndrome 3; Gastrointestinal stromal tumor. Last evaluated: 2024-05-29. Review status: criteria provided, single submitter. Criteria: Invitae Variant Classification Sherloc (09022015). Collection method: clinical testing. Allele origin: germline.
Comment: This sequence change falls in intron 1 of the SDHC gene. It does not directly change the encoded amino acid sequence of the SDHC protein. This variant is not present in population databases (gnomAD no frequency). This variant has not been reported in the literature in individuals affected with SDHC-related conditions. ClinVar contains an entry for this variant (Variation ID: 1786262). Experimental studies and prediction algorithms are not available or were not evaluated, and the effect of this variant on mRNA splicing is currently unknown. In summary, the available evidence is currently insufficient to determine the role of this variant in disease. Therefore, it has been classified as a Variant of Uncertain Significance.

Ambry Genetics
Classification: Uncertain significance for Hereditary cancer-predisposing syndrome. Last evaluated: 2022-09-02. Review status: criteria provided, single submitter. Criteria: Ambry Variant Classification Scheme 2023. Collection method: clinical testing. Allele origin: germline.
Comment: The c.21-22_30dup32 variant results from a duplication of 32 nucleotides between positions c.21-22 and c.30 and involves the canonical splice acceptor site before coding exon 2 of the SDHC gene. In silico splice site analysis predicts that this alteration may result in the creation or strengthening of a novel splice acceptor site; however, the exact impact of this duplication on SDHC splicing and function is currently unknown. The canonical splice acceptor site is highly conserved in available vertebrate species. Since supporting evidence is limited at this time, the clinical significance of this alteration remains unclear.